The following is an entry in ClinVar:

NM_005663.5(NELFA):c.1356G>A (p.Thr452=)

Gene: NELFA (negative elongation factor complex member A; minus strand). Cytogenetic location: 4p16.3.
Variant type: single nucleotide variant.
Coding change: c.1356G>A on transcript NM_005663.5 (MANE Select); coding-DNA position 1356, G replaced by A.
Protein change: p.Thr452=; no amino-acid change (threonine 452 retained).
Molecular consequence: synonymous variant.
Genome position (GRCh38, 1-based): chr4:1,983,642, C>T on the plus strand (G>A on the coding strand, the complement: NELFA is on the minus strand). VCF-style: chr4-1983642-C-T. GRCh37 (hg19) VCF-style: chr4-1985369-C-T.
Identifiers: ClinVar variation 2654585 (VCV002654585.24), dbSNP rs545282720, ClinGen allele CA2813098.
Genomic context (GRCh38, chr4:1,983,642, plus strand): 5'-CCTTATGAACATACCTCGGGAGCCGGCCATGAAGCCCAGGATGAGGGCCTTCTCGGGCCG[C>T]GTGACTTTGTTGGCCGTCTTGAACATCTCCTGGGCAGCGAACATCTGCTCTCTCTACAGC-3'
Protein context (NP_005654.4, residues 442-462): QEMFKTANKV[Thr452=]RPEKALILGF

ClinVar aggregate classification (germline): Likely benign (1 of 4 stars; one submission).

Allele frequency attached by ClinVar (database versions not stated): gnomAD exomes 0.00001; gnomAD 0.00002; ExAC 0.00004; 1000 Genomes Project 30x 0.00016; 1000 Genomes Project 0.00020.
gnomAD v4.1: 21 of 1,614,104 alleles (0.0013%); highest among the groups gnomAD compares: Middle Eastern, 0.016%; no homozygotes.

Submission:

CeGaT Center for Human Genetics Tuebingen
Classification: Likely benign. Last evaluated: 2023-05-01. Review status: criteria provided, single submitter. Criteria: CeGaT Center For Human Genetics Tuebingen Variant Classification Criteria Version 2. Collection method: clinical testing. Allele origin: germline. Affected: yes. Observed: 1 variant allele.
Comment: NELFA: BP4, BP7